The following is an entry in ClinVar:

ClinVar aggregate classification (germline): Uncertain significance. Review status: criteria provided, multiple submitters, no conflicts (2 of 4 stars). 2 submissions from 2 submitters: Uncertain significance (2). Last evaluated 2024-10-01.

Conditions:
Inborn genetic diseases. Identifiers: MedGen C0950123, MeSH D030342.
Multiple congenital exostosis (EXT). Also called: Hereditary multiple exostoses; Hereditary multiple exostosis; Multiple osteochondromas; Hereditary multiple osteochondromas; MULTIPLE CARTILAGINOUS EXOSTOSES; Multiple exostoses. Identifiers: Orphanet 321, MedGen C0015306, MONDO:0005508, HP:0002762.

Allele frequency attached by ClinVar (database versions not stated): gnomAD exomes below 0.00001.
gnomAD v4.1: 1 of 1,614,196 alleles (0.000062%); highest among the groups gnomAD compares: Admixed American, 0.0017%; no homozygotes.

Submissions (2):

Ambry Genetics
Classification: Uncertain significance for Inborn genetic diseases. Last evaluated: 2024-10-01. Review status: criteria provided, single submitter. Criteria: Ambry Variant Classification Scheme 2023. Collection method: clinical testing. Allele origin: germline.

Labcorp Genetics (formerly Invitae), Labcorp
Classification: Uncertain significance for Multiple congenital exostosis. Last evaluated: 2023-11-14. Review status: criteria provided, single submitter. Criteria: Invitae Variant Classification Sherloc (09022015). Collection method: clinical testing. Allele origin: germline.
Comment: This sequence change replaces valine, which is neutral and non-polar, with leucine, which is neutral and non-polar, at codon 286 of the EXT1 protein (p.Val286Leu). This variant is present in population databases (no rsID available, gnomAD 0.003%). This variant has not been reported in the literature in individuals affected with EXT1-related conditions. ClinVar contains an entry for this variant (Variation ID: 2174969). Advanced modeling of protein sequence and biophysical properties (such as structural, functional, and spatial information, amino acid conservation, physicochemical variation, residue mobility, and thermodynamic stability) has been performed at Invitae for this missense variant, however the output from this modeling did not meet the statistical confidence thresholds required to predict the impact of this variant on EXT1 protein function. In summary, the available evidence is currently insufficient to determine the role of this variant in disease. Therefore, it has been classified as a Variant of Uncertain Significance.

NM_000127.3(EXT1):c.856G>C (p.Val286Leu)

Gene: EXT1 (exostosin glycosyltransferase 1; minus strand). Cytogenetic location: 8q24.11.
Variant type: single nucleotide variant.
Coding change: c.856G>C on transcript NM_000127.3 (MANE Select); coding-DNA position 856, G replaced by C.
Protein change: p.Val286Leu; replaces valine 286 with leucine.
Molecular consequence: missense variant.
Genome position (GRCh38, 1-based): chr8:118,110,191, C>G on the plus strand (G>C on the coding strand, the complement: EXT1 is on the minus strand). VCF-style: chr8-118110191-C-G. GRCh37 (hg19) VCF-style: chr8-119122430-C-G.
Other names: short protein forms V286L.
Identifiers: ClinVar variation 2174969 (VCV002174969.5), dbSNP rs551552671, ClinGen allele CA371914903.